The following is an entry in ClinVar:

ClinVar aggregate classification (germline): Likely pathogenic. Review status: criteria provided, multiple submitters, no conflicts (2 of 4 stars). 2 submissions from 2 submitters: Likely pathogenic (2). Last evaluated 2025-05-27.

Conditions:
Migraine, familial hemiplegic, 2. Identifiers: Orphanet 569, MedGen C1865322, MONDO:0011232, OMIM 602481.

Submissions (2):

3billion
Classification: Likely pathogenic for Migraine, familial hemiplegic, 2. Last evaluated: 2025-05-27. Review status: criteria provided, single submitter. Criteria: ACMG Guidelines, 2015. Collection method: clinical testing. Allele origin: germline. Affected: yes.
Comment: The variant is not observed in the gnomAD v4.1.0 dataset. Predicted Consequence/Location: Missense variant Functional studies provide strong evidence of the variant having a damaging effect on the gene or gene product (PMID: 23954377). In silico tool predictions suggest damaging effect of the variant on gene or gene product [REVEL: 0.94 (>=0.6, sensitivity 0.68 and specificity 0.92); 3Cnet: 0.93 (> 0.75, sensitivity 0.96 and precision 0.92)]. The same nucleotide change resulting in the same amino acid change has been previously reported to be associated with ATP1A2-related disorder (ClinVar ID: VCV000446873 /PMID: 18028407). Therefore, this variant is classified as Likely pathogenic according to the recommendation of ACMG/AMP guideline.

Athena Diagnostics
Classification: Likely pathogenic. Last evaluated: 2017-01-31. Review status: criteria provided, single submitter. Criteria: Athena Diagnostics Criteria. Collection method: clinical testing. Allele origin: germline.

Literature cited by the submitters: PubMed 18028407 (cited by 3billion); PubMed 23954377 (cited by 3billion and Athena Diagnostics); PubMed 24921013 (cited by Athena Diagnostics).

NM_000702.4(ATP1A2):c.2698G>A (p.Gly900Arg)

Gene: ATP1A2 (ATPase Na+/K+ transporting subunit alpha 2; plus strand). Cytogenetic location: 1q23.2.
Variant type: single nucleotide variant.
Coding change: c.2698G>A on transcript NM_000702.4 (MANE Select); coding-DNA position 2698, G replaced by A.
Protein change: p.Gly900Arg; replaces glycine 900 with arginine.
Molecular consequence: missense variant.
Genome position (GRCh38, 1-based): chr1:160,136,704, G>A. VCF-style: chr1-160136704-G-A. GRCh37 (hg19) VCF-style: chr1-160106494-G-A.
Other names: short protein forms G900R.
Identifiers: ClinVar variation 446873 (VCV000446873.2), dbSNP rs1553245908, ClinGen allele CA343252323.